The following is an entry in ClinVar:

NM_004341.5(CAD):c.2663G>A (p.Arg888His)

Genes: CAD (carbamoyl-phosphate synthetase 2, aspartate transcarbamylase, and dihydroorotase; plus strand), LOC126806171 (BRD4-independent group 4 enhancer GRCh37_chr2:27454350-27455549; plus strand). Cytogenetic location: 2p23.3.
Variant type: single nucleotide variant.
Coding change: c.2663G>A on transcript NM_004341.5 (MANE Select); coding-DNA position 2663, G replaced by A.
Protein change: p.Arg888His; replaces arginine 888 with histidine.
Molecular consequence: missense variant.
Genome position (GRCh38, 1-based): chr2:27,232,465, G>A. VCF-style: chr2-27232465-G-A. GRCh37 (hg19) VCF-style: chr2-27455333-G-A.
Other names: c.2474G>A, p.Arg825His (NM_001306079.2); c.2663G>A (NM_004341.3); short protein forms R888H, R825H.
Identifiers: ClinVar variation 1513453 (VCV001513453.8), dbSNP rs763307714, ClinGen allele CA1573086.

ClinVar aggregate classification (germline): Uncertain significance. Review status: criteria provided, multiple submitters, no conflicts (2 of 4 stars). 3 submissions from 3 submitters: Uncertain significance (3). Last evaluated 2025-05-27.

Allele frequency attached by ClinVar (database versions not stated): TOPMed below 0.00001; gnomAD exomes 0.00001; ExAC 0.00002.
gnomAD v4.1: 14 of 1,614,026 alleles (0.00087%); highest among the groups gnomAD compares: Non-Finnish European, 0.000085%; no homozygotes.

Submissions (3):

Labcorp Genetics (formerly Invitae), Labcorp
Classification: Uncertain significance. Last evaluated: 2025-05-27. Review status: criteria provided, single submitter. Criteria: Invitae Variant Classification Sherloc (09022015). Collection method: clinical testing. Allele origin: germline.
Comment: This sequence change replaces arginine, which is basic and polar, with histidine, which is basic and polar, at codon 888 of the CAD protein (p.Arg888His). This variant is present in population databases (rs763307714, gnomAD 0.03%). This variant has not been reported in the literature in individuals affected with CAD-related conditions. ClinVar contains an entry for this variant (Variation ID: 1513453). Invitae Evidence Modeling of protein sequence and biophysical properties (such as structural, functional, and spatial information, amino acid conservation, physicochemical variation, residue mobility, and thermodynamic stability) indicates that this missense variant is not expected to disrupt CAD protein function with a negative predictive value of 80%. In summary, the available evidence is currently insufficient to determine the role of this variant in disease. Therefore, it has been classified as a Variant of Uncertain Significance.

GeneDx
Classification: Uncertain significance. Last evaluated: 2024-04-17. Review status: criteria provided, single submitter. Criteria: GeneDx Variant Classification Process June 2021. Collection method: clinical testing. Allele origin: germline. Affected: yes.
Comment: In silico analysis supports that this missense variant has a deleterious effect on protein structure/function; Has not been previously published as pathogenic or benign to our knowledge

Blueprint Genetics
Classification: Uncertain significance. Last evaluated: 2023-08-11. Review status: criteria provided, single submitter. Criteria: ACMG Guidelines, 2015. Collection method: clinical testing. Allele origin: germline.